The following is an entry in ClinVar:

NM_182961.4(SYNE1):c.11621A>C (p.Lys3874Thr)

Gene: SYNE1 (spectrin repeat containing nuclear envelope protein 1; minus strand). Cytogenetic location: 6q25.2.
Variant type: single nucleotide variant.
Coding change: c.11621A>C on transcript NM_182961.4 (MANE Select); coding-DNA position 11621, A replaced by C.
Protein change: p.Lys3874Thr; replaces lysine 3874 with threonine.
Molecular consequence: missense variant.
Genome position (GRCh38, 1-based): chr6:152,350,730, T>G on the plus strand (A>C on the coding strand, the complement: SYNE1 is on the minus strand). VCF-style: chr6-152350730-T-G. GRCh37 (hg19) VCF-style: chr6-152671865-T-G.
Other names: p.Lys3859Thr; c.11576A>C, p.Lys3859Thr (NM_033071.5); short protein forms K3859T, K3874T.
Identifiers: ClinVar variation 130394 (VCV000130394.24), dbSNP rs13210127, ClinGen allele CA155331.

ClinVar aggregate classification (germline): Benign. Review status: criteria provided, multiple submitters, no conflicts (2 of 4 stars). 10 submissions from 9 submitters: Benign (6). 4 of the submissions do not count toward it. Last evaluated 2026-02-03.

Conditions:
Emery-Dreifuss muscular dystrophy 4, autosomal dominant (EDMD4). Also called: EMERY-DREIFUSS MUSCULAR DYSTROPHY 4 WITH VARIABLE FEATURES. Identifiers: Orphanet 261, MedGen C2751807, MONDO:0013071, OMIM 612998.
Autosomal recessive ataxia, Beauce type. Also called: SYNE1-Related Autosomal Recessive Cerebellar Ataxia; ATAXIA, RECESSIVE, OF BEAUCE; Spinocerebellar ataxia, autosomal recessive 8; SYNE1 Deficiency. Identifiers: Orphanet 88644, MedGen C1853116, MONDO:0012549, OMIM 610743.

Allele frequency attached by ClinVar (database versions not stated): ExAC 0.03638; 1000 Genomes Project 30x 0.05169; gnomAD 0.02151 and 0.02485; TOPMed 0.02536; gnomAD exomes 0.03662; 1000 Genomes Project 0.05431; ESP Exome Variant Server 0.01584.
gnomAD v4.1: 42,279 of 1,614,084 alleles (2.6%); highest among the groups gnomAD compares: East Asian, 16%; 1,203 homozygotes.

Submissions (10):

Labcorp Genetics (formerly Invitae), Labcorp
Classification: Benign for Emery-Dreifuss muscular dystrophy 4, autosomal dominant; Autosomal recessive ataxia, Beauce type. Last evaluated: 2026-02-03. Review status: criteria provided, single submitter. Criteria: Invitae Variant Classification Sherloc (09022015). Collection method: clinical testing. Allele origin: germline.

Illumina Laboratory Services, Illumina
Classification: Benign for Autosomal recessive ataxia, Beauce type. Last evaluated: 2018-01-12. Review status: criteria provided, single submitter. Criteria: ICSL Variant Classification Criteria 13 December 2019. Collection method: clinical testing. Allele origin: germline.
Comment: This variant was observed in the ICSL laboratory as part of a predisposition screen in an ostensibly healthy population. It had not been previously curated by ICSL or reported in the Human Gene Mutation Database (HGMD: prior to June 1st, 2018), and was therefore a candidate for classification through an automated scoring system. Utilizing variant allele frequency, disease prevalence and penetrance estimates, and inheritance mode, an automated score was calculated to assess if this variant is too frequent to cause the disease. Based on the score and internal cut-off values, a variant classified as benign is not then subjected to further curation. The score for this variant resulted in a classification of benign for this disease.

Illumina Laboratory Services, Illumina
Classification: Benign for Emery-Dreifuss muscular dystrophy 4, autosomal dominant. Last evaluated: 2018-01-12. Review status: criteria provided, single submitter. Criteria: ICSL Variant Classification Criteria 13 December 2019. Collection method: clinical testing. Allele origin: germline.
Comment: the same text as in the submission from Illumina Laboratory Services, Illumina above.

Mayo Clinic Laboratories, Mayo Clinic
Classification: Benign. Last evaluated: 2017-08-24. Review status: criteria provided, single submitter. Criteria: ACMG Guidelines, 2015. Collection method: clinical testing. Allele origin: germline. Observed: 61 variant alleles.

GeneDx
Classification: Benign. Last evaluated: 2016-02-23. Review status: criteria provided, single submitter. Criteria: GeneDx Variant Classification (06012015). Collection method: clinical testing. Allele origin: germline. Affected: yes.
Comment: This variant is considered likely benign or benign based on one or more of the following criteria: it is a conservative change, it occurs at a poorly conserved position in the protein, it is predicted to be benign by multiple in silico algorithms, and/or has population frequency not consistent with disease.

PreventionGenetics, part of Exact Sciences
Classification: Benign. Review status: criteria provided, single submitter. Criteria: ACMG Guidelines, 2015. Collection method: clinical testing. Allele origin: germline.

Clinical Genetics DNA and cytogenetics Diagnostics Lab, Erasmus MC, Erasmus Medical Center
Classification: Benign. Review status: no assertion criteria provided. Collection method: clinical testing. Allele origin: germline. Affected: yes. Study: VKGL Data-share Consensus. Not counted in ClinVar's aggregate classification.

Clinical Genetics, Academic Medical Center
Classification: Likely benign. Review status: no assertion criteria provided. Collection method: clinical testing. Allele origin: germline. Affected: yes. Study: VKGL Data-share Consensus. Not counted in ClinVar's aggregate classification.

Genetic Services Laboratory, University of Chicago
Classification: Likely benign for AllHighlyPenetrant. Review status: no assertion criteria provided. Collection method: clinical testing. Allele origin: germline. Inheritance: Autosomal dominant inheritance. Not counted in ClinVar's aggregate classification.
Comment: Likely benign based on allele frequency in 1000 Genomes Project or ESP global frequency and its presence in a patient with a rare or unrelated disease phenotype. NOT Sanger confirmed.

Laboratory of Diagnostic Genome Analysis, Leiden University Medical Center (LUMC)
Classification: Likely benign. Review status: no assertion criteria provided. Collection method: clinical testing. Allele origin: germline. Affected: yes. Study: VKGL Data-share Consensus. Not counted in ClinVar's aggregate classification.